The following is an entry in ClinVar:

NM_170601.5(SIAE):c.255A>G (p.Val85=)

Gene: SIAE (sialic acid acetylesterase; minus strand). Cytogenetic location: 11q24.2.
Variant type: single nucleotide variant.
Coding change: c.255A>G on transcript NM_170601.5 (MANE Select); coding-DNA position 255, A replaced by G.
Protein change: p.Val85=; no amino-acid change (valine 85 retained).
Molecular consequence: synonymous variant.
Genome position (GRCh38, 1-based): chr11:124,660,778, T>C on the plus strand (A>G on the coding strand, the complement: SIAE is on the minus strand). VCF-style: chr11-124660778-T-C. GRCh37 (hg19) VCF-style: chr11-124530674-T-C.
Other names: c.150A>G, p.Val50= (NM_001199922.2).
Identifiers: ClinVar variation 3044962 (VCV003044962.4), dbSNP rs1019137284, ClinGen allele CA230365053.

ClinVar aggregate classification (germline): Likely benign. Review status: criteria provided, single submitter (1 of 4 stars). 2 submissions from 2 submitters: Likely benign (1). 1 of the submissions does not count toward it. Last evaluated 2024-05-29.

Conditions:
SIAE-related disorder. Also called: SIAE-related condition.

Allele frequency attached by ClinVar (database versions not stated): gnomAD exomes below 0.00001; gnomAD 0.00001; TOPMed 0.00001.
gnomAD v4.1: 10 of 1,614,064 alleles (0.00062%); highest among the groups gnomAD compares: Admixed American, 0.0017%; no homozygotes.

Submissions (2):

Labcorp Genetics (formerly Invitae), Labcorp
Classification: Likely benign. Last evaluated: 2024-05-29. Review status: criteria provided, single submitter. Criteria: Invitae Variant Classification Sherloc (09022015). Collection method: clinical testing. Allele origin: germline.

PreventionGenetics, part of Exact Sciences
Classification: Likely benign for SIAE-related condition. Last evaluated: 2023-11-30. Review status: no assertion criteria provided. Collection method: clinical testing. Allele origin: germline. Not counted in ClinVar's aggregate classification.
Comment: This variant is classified as likely benign based on ACMG/AMP sequence variant interpretation guidelines (Richards et al. 2015 PMID: 25741868, with internal and published modifications).